The following is an entry in ClinVar:

NM_020207.7(ERCC6L2):c.1693A>C (p.Lys565Gln)

Gene: ERCC6L2 (ERCC excision repair 6 like 2; plus strand). Cytogenetic location: 9q22.32.
Variant type: single nucleotide variant.
Coding change: c.1693A>C on transcript NM_020207.7 (MANE Select); coding-DNA position 1693, A replaced by C.
Protein change: p.Lys565Gln; replaces lysine 565 with glutamine.
Molecular consequence: missense variant. On other transcripts: non-coding transcript variant (1).
Genome position (GRCh38, 1-based): chr9:95,928,806, A>C. VCF-style: chr9-95928806-A-C. GRCh37 (hg19) VCF-style: chr9-98691088-A-C.
Other names: c.1693A>C, p.Lys565Gln (NM_001010895.4, NM_001375291.1, NM_001375292.1 and 2 more transcripts); short protein forms K565Q.
Identifiers: ClinVar variation 3845986 (VCV003845986.1).

ClinVar aggregate classification (germline): Uncertain significance (1 of 4 stars; one submission).

Conditions:
Inborn genetic diseases. Identifiers: MedGen C0950123, MeSH D030342.

Submission:

Ambry Genetics
Classification: Uncertain significance for Inborn genetic diseases. Last evaluated: 2025-03-08. Review status: criteria provided, single submitter. Criteria: Ambry Variant Classification Scheme 2023. Collection method: clinical testing. Allele origin: germline.
Comment: The p.K565Q variant (also known as c.1693A>C), located in coding exon 11 of the ERCC6L2 gene, results from an A to C substitution at nucleotide position 1693. The lysine at codon 565 is replaced by glutamine, an amino acid with similar properties. This amino acid position is conserved. In addition, this alteration is predicted to be tolerated by in silico analysis. Based on the available evidence, the clinical significance of this variant remains unclear.